The following is an entry in ClinVar:

NM_004446.3(EPRS1):c.1940A>G (p.Lys647Arg)

Gene: EPRS1 (glutamyl-prolyl-tRNA synthetase 1; minus strand). Cytogenetic location: 1q41.
Variant type: single nucleotide variant.
Coding change: c.1940A>G on transcript NM_004446.3 (MANE Select); coding-DNA position 1940, A replaced by G.
Protein change: p.Lys647Arg; replaces lysine 647 with arginine.
Molecular consequence: missense variant.
Genome position (GRCh38, 1-based): chr1:220,006,116, T>C on the plus strand (A>G on the coding strand, the complement: EPRS1 is on the minus strand). VCF-style: chr1-220006116-T-C. GRCh37 (hg19) VCF-style: chr1-220179458-T-C.
Other names: c.1940A>G (NM_004446.2); short protein forms K647R.
Identifiers: ClinVar variation 1680975 (VCV001680975.7), dbSNP rs151187442, ClinGen allele CA1400135.

ClinVar aggregate classification (germline): Uncertain significance. Review status: criteria provided, multiple submitters, no conflicts (2 of 4 stars). 2 submissions from 2 submitters: Uncertain significance (2). Last evaluated 2023-12-18.

Conditions:
Inborn genetic diseases. Identifiers: MedGen C0950123, MeSH D030342.

Allele frequency attached by ClinVar (database versions not stated): gnomAD exomes 0.00001 and 0.00002; ExAC 0.00002; gnomAD 0.00004 and 0.00005; TOPMed 0.00006; ESP Exome Variant Server 0.00015.
gnomAD v4.1: 19 of 1,571,450 alleles (0.0012%); highest among the groups gnomAD compares: African/African-American, 0.022%; no homozygotes.

Submissions (2):

Ambry Genetics
Classification: Uncertain significance for Inborn genetic diseases. Last evaluated: 2023-12-18. Review status: criteria provided, single submitter. Criteria: Ambry Variant Classification Scheme 2023. Collection method: clinical testing. Allele origin: germline.

Labcorp Genetics (formerly Invitae), Labcorp
Classification: Uncertain significance. Last evaluated: 2022-08-23. Review status: criteria provided, single submitter. Criteria: Invitae Variant Classification Sherloc (09022015). Collection method: clinical testing. Allele origin: germline.
Comment: ClinVar contains an entry for this variant (Variation ID: 1680975). This sequence change replaces lysine, which is basic and polar, with arginine, which is basic and polar, at codon 647 of the EPRS protein (p.Lys647Arg). This variant is present in population databases (rs151187442, gnomAD 0.02%). This variant has not been reported in the literature in individuals affected with EPRS-related conditions. Algorithms developed to predict the effect of missense changes on protein structure and function output the following: SIFT: "Tolerated"; PolyPhen-2: "Benign"; Align-GVGD: "Class C0". The arginine amino acid residue is found in multiple mammalian species, which suggests that this missense change does not adversely affect protein function. Algorithms developed to predict the effect of sequence changes on RNA splicing suggest that this variant may disrupt the consensus splice site. In summary, the available evidence is currently insufficient to determine the role of this variant in disease. Therefore, it has been classified as a Variant of Uncertain Significance.